The following is an entry in ClinVar:

ClinVar aggregate classification (germline): Uncertain significance (1 of 4 stars; one submission).

Submission:

GeneDx
Classification: Uncertain significance. Last evaluated: 2024-07-06. Review status: criteria provided, single submitter. Criteria: GeneDx Variant Classification Process June 2021. Collection method: clinical testing. Allele origin: germline. Affected: yes.
Comment: Not observed at significant frequency in large population cohorts (gnomAD); In silico analysis supports that this missense variant has a deleterious effect on protein structure/function; Has not been previously published as pathogenic or benign to our knowledge

NM_000426.4(LAMA2):c.8475C>A (p.Phe2825Leu)

Gene: LAMA2 (laminin subunit alpha 2; plus strand). Cytogenetic location: 6q22.33.
Variant type: single nucleotide variant.
Coding change: c.8475C>A on transcript NM_000426.4 (MANE Select); coding-DNA position 8475, C replaced by A.
Protein change: p.Phe2825Leu; replaces phenylalanine 2825 with leucine.
Molecular consequence: missense variant.
Genome position (GRCh38, 1-based): chr6:129,503,208, C>A. VCF-style: chr6-129503208-C-A. GRCh37 (hg19) VCF-style: chr6-129824353-C-A.
Other names: c.8463C>A, p.Phe2821Leu (NM_001079823.2); short protein forms F2821L, F2825L.
Identifiers: ClinVar variation 3572630 (VCV003572630.1).